The following is an entry in ClinVar:

ClinVar aggregate classification (germline): Benign/Likely benign. Review status: criteria provided, multiple submitters, no conflicts (2 of 4 stars). 2 submissions from 2 submitters: Benign (1); Likely benign (1). Last evaluated 2018-01-13.

Conditions:
Hypophosphatemic nephrolithiasis/osteoporosis 1. Identifiers: Orphanet 244305, MedGen C2676786, MONDO:0012850, OMIM 612286.

Allele frequency attached by ClinVar (database versions not stated): 1000 Genomes Project 30x 0.00047; 1000 Genomes Project 0.00060; TOPMed 0.00227; gnomAD 0.00232 and 0.00237; gnomAD exomes 0.00322.
gnomAD v4.1: 2,300 of 749,982 alleles (0.31%); highest among the groups gnomAD compares: Non-Finnish European, 0.41%; 8 homozygotes.

Submissions (2):

Illumina Laboratory Services, Illumina
Classification: Benign for Hypophosphatemic nephrolithiasis/osteoporosis 1. Last evaluated: 2018-01-13. Review status: criteria provided, single submitter. Criteria: ICSL Variant Classification Criteria 13 December 2019. Collection method: clinical testing. Allele origin: germline.
Comment: This variant was observed in the ICSL laboratory as part of a predisposition screen in an ostensibly healthy population. It had not been previously curated by ICSL or reported in the Human Gene Mutation Database (HGMD: prior to June 1st, 2018), and was therefore a candidate for classification through an automated scoring system. Utilizing variant allele frequency, disease prevalence and penetrance estimates, and inheritance mode, an automated score was calculated to assess if this variant is too frequent to cause the disease. Based on the score and internal cut-off values, a variant classified as benign is not then subjected to further curation. The score for this variant resulted in a classification of benign for this disease.

Breakthrough Genomics
Classification: Likely benign. Review status: criteria provided, single submitter. Criteria: ACMG Guidelines, 2015. Collection method: not provided. Allele origin: germline. Inheritance: Autosomal recessive inheritance. Affected: yes.

NM_003052.5(SLC34A1):c.*179G>A

Gene: SLC34A1 (solute carrier family 34 member 1; plus strand). Cytogenetic location: 5q35.3.
Variant type: single nucleotide variant.
Coding change: c.*179G>A on transcript NM_003052.5 (MANE Select); 179 bases downstream of the stop codon, G replaced by A.
Molecular consequence: 3 prime UTR variant.
Genome position (GRCh38, 1-based): chr5:177,398,465, G>A. VCF-style: chr5-177398465-G-A. GRCh37 (hg19) VCF-style: chr5-176825466-G-A.
Identifiers: ClinVar variation 352979 (VCV000352979.7), dbSNP rs141664220, ClinGen allele CA10624167.
Genomic context (GRCh38, chr5:177,398,465, plus strand): 5'-CTGTAGCTCCGCAAAGCTCTGGGCTTGTGTGAGAGTGTCGGTGTGTGTGCATGTGTGGGG[G>A]TGAGTCTGCATGTGCACCTGTCATGTGTAGAAGCTTGTATTTGTGTACAGGTGTGCCAGC-3'